The following is an entry in ClinVar:

NM_177438.3(DICER1):c.44A>G (p.Gln15Arg)

Gene: DICER1 (dicer 1, ribonuclease III; minus strand). Cytogenetic location: 14q32.13.
Variant type: single nucleotide variant.
Coding change: c.44A>G on transcript NM_177438.3 (MANE Select); coding-DNA position 44, A replaced by G.
Protein change: p.Gln15Arg; replaces glutamine 15 with arginine.
Molecular consequence: missense variant.
Genome position (GRCh38, 1-based): chr14:95,133,415, T>C on the plus strand (A>G on the coding strand, the complement: DICER1 is on the minus strand). VCF-style: chr14-95133415-T-C. GRCh37 (hg19) VCF-style: chr14-95599752-T-C.
Other names: c.44A>G, p.Gln15Arg (NM_001195573.1, NM_001271282.3, NM_001291628.2 and 1 more transcripts); short protein forms Q15R.
Identifiers: ClinVar variation 543593 (VCV000543593.10), dbSNP rs1555376589, ClinGen allele CA390890706.

ClinVar aggregate classification (germline): Uncertain significance (1 of 4 stars; one submission).

Conditions:
DICER1-related tumor predisposition. Also called: DICER1-related pleuropulmonary blastoma cancer predisposition syndrome; DICER1 syndrome. Identifiers: Orphanet 284343, MedGen C3839822, MONDO:0100216.

Submission:

Labcorp Genetics (formerly Invitae), Labcorp
Classification: Uncertain significance for DICER1-related tumor predisposition. Last evaluated: 2024-01-04. Review status: criteria provided, single submitter. Criteria: Invitae Variant Classification Sherloc (09022015). Collection method: clinical testing. Allele origin: germline.
Comment: This sequence change replaces glutamine, which is neutral and polar, with arginine, which is basic and polar, at codon 15 of the DICER1 protein (p.Gln15Arg). This variant is not present in population databases (gnomAD no frequency). This variant has not been reported in the literature in individuals affected with DICER1-related conditions. ClinVar contains an entry for this variant (Variation ID: 543593). An algorithm developed to predict the effect of missense changes on protein structure and function (PolyPhen-2) suggests that this variant is likely to be disruptive. In summary, the available evidence is currently insufficient to determine the role of this variant in disease. Therefore, it has been classified as a Variant of Uncertain Significance.